The following is an entry in ClinVar:

NM_001195263.2(PDZD7):c.802G>A (p.Asp268Asn)

Gene: PDZD7 (PDZ domain containing 7; minus strand). Cytogenetic location: 10q24.31.
Variant type: single nucleotide variant.
Coding change: c.802G>A on transcript NM_001195263.2 (MANE Select); coding-DNA position 802, G replaced by A.
Protein change: p.Asp268Asn; replaces aspartic acid 268 with asparagine.
Molecular consequence: missense variant.
Genome position (GRCh38, 1-based): chr10:101,021,863, C>T on the plus strand (G>A on the coding strand, the complement: PDZD7 is on the minus strand). VCF-style: chr10-101021863-C-T. GRCh37 (hg19) VCF-style: chr10-102781620-C-T.
Other names: c.802G>A, p.Asp268Asn (NM_001351044.2, NM_024895.5); short protein forms D268N.
Identifiers: ClinVar variation 849486 (VCV000849486.12), dbSNP rs202154862, ClinGen allele CA5654248.

ClinVar aggregate classification (germline): Uncertain significance. Review status: criteria provided, multiple submitters, no conflicts (2 of 4 stars). 4 submissions from 4 submitters: Uncertain significance (3). 1 of the submissions does not count toward it. Last evaluated 2025-09-25.

Conditions:
Retinal dystrophy. Also called: Inherited retinal dystrophy. Identifiers: Orphanet 71862, MedGen C0854723, MeSH D058499, MONDO:0019118, HP:0000556.
Hearing impairment. Also called: Impaired Hearing. Identifiers: MedGen C1384666, MONDO:0005365, HP:0000365.

Allele frequency attached by ClinVar (database versions not stated): TOPMed 0.00019; gnomAD 0.00022; 1000 Genomes Project 30x 0.00031; 1000 Genomes Project 0.00040.

Submissions (4):

GeneDx
Classification: Uncertain significance. Last evaluated: 2025-09-25. Review status: criteria provided, single submitter. Criteria: GeneDx Variant Classification Process June 2021. Collection method: clinical testing. Allele origin: germline. Affected: yes.
Comment: In silico analysis suggests that this missense variant does not alter protein structure/function; Has not been previously published as pathogenic or benign to our knowledge

Labcorp Genetics (formerly Invitae), Labcorp
Classification: Uncertain significance. Last evaluated: 2022-10-24. Review status: criteria provided, single submitter. Criteria: Invitae Variant Classification Sherloc (09022015). Collection method: clinical testing. Allele origin: germline.
Comment: This sequence change replaces aspartic acid, which is acidic and polar, with asparagine, which is neutral and polar, at codon 268 of the PDZD7 protein (p.Asp268Asn). This variant is present in population databases (rs202154862, gnomAD 0.04%). This variant has not been reported in the literature in individuals affected with PDZD7-related conditions. ClinVar contains an entry for this variant (Variation ID: 849486). Advanced modeling of protein sequence and biophysical properties (such as structural, functional, and spatial information, amino acid conservation, physicochemical variation, residue mobility, and thermodynamic stability) performed at Invitae indicates that this missense variant is not expected to disrupt PDZD7 protein function. In summary, the available evidence is currently insufficient to determine the role of this variant in disease. Therefore, it has been classified as a Variant of Uncertain Significance.

Department of Otolaryngology – Head & Neck Surgery, Cochlear Implant Center
Classification: Uncertain significance for Hearing impairment. Last evaluated: 2021-04-12. Review status: criteria provided, single submitter. Criteria: ClinGen HL ACMG Specifications v1. Collection method: clinical testing. Allele origin: germline. Affected: yes.
Comment: PM2_Supporting, BP4_Supporting

Institute of Human Genetics, Univ. Regensburg, Univ. Regensburg
Classification: Uncertain significance for Retinal dystrophy. Last evaluated: 2022-01-01. Review status: no assertion criteria provided. Criteria: ACMG Guidelines, 2015. Collection method: clinical testing. Allele origin: germline. Affected: yes. Not counted in ClinVar's aggregate classification.